The following is an entry in ClinVar:

NM_001127222.2(CACNA1A):c.5068G>A (p.Ala1690Thr)

Gene: CACNA1A (calcium voltage-gated channel subunit alpha1 A; minus strand). Cytogenetic location: 19p13.13.
Variant type: single nucleotide variant.
Coding change: c.5068G>A on transcript NM_001127222.2 (MANE Select); coding-DNA position 5068, G replaced by A.
Protein change: p.Ala1690Thr; replaces alanine 1690 with threonine.
Molecular consequence: missense variant.
Genome position (GRCh38, 1-based): chr19:13,235,274, C>T on the plus strand (G>A on the coding strand, the complement: CACNA1A is on the minus strand). VCF-style: chr19-13235274-C-T. GRCh37 (hg19) VCF-style: chr19-13346088-C-T.
Other names: c.5086G>A, p.Ala1696Thr (NM_000068.4, NM_023035.3); c.5071G>A, p.Ala1691Thr (NM_001127221.2); c.5077G>A, p.Ala1693Thr (NM_001174080.2); short protein forms A1690T, A1691T, A1693T, A1696T.
Identifiers: ClinVar variation 1704014 (VCV001704014.2), dbSNP rs2512645914, ClinGen allele CA404335942.

ClinVar aggregate classification (germline): Uncertain significance (1 of 4 stars; one submission).

Submission:

GeneDx
Classification: Uncertain significance. Last evaluated: 2022-03-04. Review status: criteria provided, single submitter. Criteria: GeneDx Variant Classification Process June 2021. Collection method: clinical testing. Allele origin: germline. Affected: yes.
Comment: Not observed at significant frequency in large population cohorts (gnomAD); In silico analysis supports that this missense variant has a deleterious effect on protein structure/function; Has not been previously published as pathogenic or benign to our knowledge